The following is an entry in ClinVar:

NM_003743.5(NCOA1):c.3838C>T (p.Pro1280Ser)

Gene: NCOA1 (nuclear receptor coactivator 1; plus strand). Cytogenetic location: 2p23.3.
Variant type: single nucleotide variant.
Coding change: c.3838C>T on transcript NM_003743.5 (MANE Select); coding-DNA position 3838, C replaced by T.
Protein change: p.Pro1280Ser; replaces proline 1280 with serine.
Molecular consequence: missense variant.
Genome position (GRCh38, 1-based): chr2:24,752,113, C>T. VCF-style: chr2-24752113-C-T. GRCh37 (hg19) VCF-style: chr2-24974982-C-T.
Other names: c.3838C>T, p.Pro1280Ser (NM_001362950.1, NM_001362952.1, NM_001362954.1 and 3 more transcripts); short protein forms P1280S.
Identifiers: ClinVar variation 2634226 (VCV002634226.3), dbSNP rs2466106121, ClinGen allele CA346055956.

ClinVar aggregate classification (germline): Uncertain significance (1 of 4 stars; one submission).

Conditions:
NCOA1-related disorder. Also called: NCOA1-related condition.

Allele frequency attached by ClinVar (database versions not stated): gnomAD exomes below 0.00001.
gnomAD v4.1: 1 of 1,614,086 alleles (0.000062%); highest among the groups gnomAD compares: Admixed American, 0.0017%; no homozygotes.

Submission:

PreventionGenetics, part of Exact Sciences
Classification: Uncertain significance for NCOA1-related condition. Last evaluated: 2025-09-26. Review status: criteria provided, single submitter. Criteria: ACMG Guidelines, 2015. Collection method: clinical testing. Allele origin: germline.
Comment: The NCOA1 c.3838C>T variant is predicted to result in the amino acid substitution p.Pro1280Ser. To our knowledge, this variant has not been reported in the literature or in a large population database, indicating this variant is rare. At this time, the clinical significance of this variant is uncertain due to the absence of conclusive functional and genetic evidence.